The following is an entry in ClinVar:

NM_001184.4(ATR):c.3707A>G (p.Tyr1236Cys)

Gene: ATR (ATR checkpoint kinase; minus strand). Cytogenetic location: 3q23.
Variant type: single nucleotide variant.
Coding change: c.3707A>G on transcript NM_001184.4 (MANE Select); coding-DNA position 3707, A replaced by G.
Protein change: p.Tyr1236Cys; replaces tyrosine 1236 with cysteine.
Molecular consequence: missense variant.
Genome position (GRCh38, 1-based): chr3:142,538,500, T>C on the plus strand (A>G on the coding strand, the complement: ATR is on the minus strand). VCF-style: chr3-142538500-T-C. GRCh37 (hg19) VCF-style: chr3-142257342-T-C.
Other names: c.3515A>G, p.Tyr1172Cys (NM_001354579.2); short protein forms Y1236C, Y1172C.
Identifiers: ClinVar variation 1734146 (VCV001734146.2), dbSNP rs2033936963, ClinGen allele CA354807402.
Genomic context (GRCh38, chr3:142,538,500, plus strand): 5'-TTTAAAAAGTTATTATTTTACTATTAATTTCAGTTACAATACCTGTTTTCAATTATGAGG[T>C]AGTGGAAGATAGCTGCAGTTTCTTTAGGCTGGATGTGTATAAGAGGTAACAAAGCTACTA-3'
Protein context (NP_001175.2, residues 1226-1246): QPKETAAIFH[Tyr1236Cys]LIIENRDAVQ

ClinVar aggregate classification (germline): Uncertain significance (1 of 4 stars; one submission).

Conditions:
Inborn genetic diseases. Identifiers: MedGen C0950123, MeSH D030342.

Allele frequency attached by ClinVar (database versions not stated): TOPMed below 0.00001; gnomAD 0.00001.
gnomAD v4.1: 1 of 1,612,590 alleles (0.000062%); highest among the groups gnomAD compares: African/African-American, 0.0013%; no homozygotes.

Submission:

Ambry Genetics
Classification: Uncertain significance for Inborn genetic diseases. Last evaluated: 2021-07-09. Review status: criteria provided, single submitter. Criteria: Ambry Variant Classification Scheme 2023. Collection method: clinical testing. Allele origin: germline.
Comment: The p.Y1236C variant (also known as c.3707A>G), located in coding exon 19 of the ATR gene, results from an A to G substitution at nucleotide position 3707. The tyrosine at codon 1236 is replaced by cysteine, an amino acid with highly dissimilar properties. This amino acid position is conserved. In addition, this alteration is predicted to be tolerated by in silico analysis. Since supporting evidence is limited at this time, the clinical significance of this alteration remains unclear.